The following is an entry in ClinVar:

NM_001605.3(AARS1):c.1298G>T (p.Gly433Val)

Gene: AARS1 (alanyl-tRNA synthetase 1; minus strand). Cytogenetic location: 16q22.1.
Variant type: single nucleotide variant.
Coding change: c.1298G>T on transcript NM_001605.3 (MANE Select); coding-DNA position 1298, G replaced by T.
Protein change: p.Gly433Val; replaces glycine 433 with valine.
Molecular consequence: missense variant.
Genome position (GRCh38, 1-based): chr16:70,265,587, C>A on the plus strand (G>T on the coding strand, the complement: AARS1 is on the minus strand). VCF-style: chr16-70265587-C-A. GRCh37 (hg19) VCF-style: chr16-70299490-C-A.
Other names: short protein forms G433V.
Identifiers: ClinVar variation 2142755 (VCV002142755.4), dbSNP rs963547000, ClinGen allele CA396561998.
Genomic context (GRCh38, chr16:70,265,587, plus strand): 5'-AAGTTCTTTACCTGGGCCAGTTTCCTCTCCTCTTCAAAGCCATCCATGTCTACCACCAGG[C>A]CCTTCTCTTCAGCAATCAGTCCAGTCAGATCCACTGGAAACCCATAGGTGTCATAGAGGA-3'
Protein context (NP_001596.2, residues 423-443): DLTGLIAEEK[Gly433Val]LVVDMDGFEE

ClinVar aggregate classification (germline): Uncertain significance (1 of 4 stars; one submission).

Conditions:
Charcot-Marie-Tooth disease type 2. Also called: Charcot-Marie-Tooth type 2. Identifiers: Orphanet 64746, MedGen C0270914, MONDO:0018993.

Allele frequency attached by ClinVar (database versions not stated): gnomAD exomes below 0.00001; TOPMed 0.00001; gnomAD 0.00001.
gnomAD v4.1: 3 of 1,613,934 alleles (0.00019%); highest among the groups gnomAD compares: Non-Finnish European, 0.00025%; no homozygotes.

Submission:

Labcorp Genetics (formerly Invitae), Labcorp
Classification: Uncertain significance for Charcot-Marie-Tooth disease type 2. Last evaluated: 2025-08-26. Review status: criteria provided, single submitter. Criteria: Invitae Variant Classification Sherloc (09022015). Collection method: clinical testing. Allele origin: germline.
Comment: This sequence change replaces glycine, which is neutral and non-polar, with valine, which is neutral and non-polar, at codon 433 of the AARS protein (p.Gly433Val). This variant is not present in population databases (gnomAD no frequency). This variant has not been reported in the literature in individuals affected with AARS-related conditions. ClinVar contains an entry for this variant (Variation ID: 2142755). Invitae Evidence Modeling of protein sequence and biophysical properties (such as structural, functional, and spatial information, amino acid conservation, physicochemical variation, residue mobility, and thermodynamic stability) has been performed for this missense variant. However, the output from this modeling did not meet the statistical confidence thresholds required to predict the impact of this variant on AARS protein function. In summary, the available evidence is currently insufficient to determine the role of this variant in disease. Therefore, it has been classified as a Variant of Uncertain Significance.